The following is an entry in ClinVar:

ClinVar aggregate classification (germline): Pathogenic (1 of 4 stars; one submission).

Conditions:
Norman-Roberts syndrome (LIS2). Also called: Lissencephaly 2 (Norman-Roberts type). Identifiers: Orphanet 89844, MedGen C0796089, MONDO:0009760, OMIM 257320.
Familial temporal lobe epilepsy 7. Identifiers: Orphanet 101046, MedGen C4225327, MONDO:0014639, OMIM 616436.

Submission:

Labcorp Genetics (formerly Invitae), Labcorp
Classification: Pathogenic for Familial temporal lobe epilepsy 7; Norman-Roberts syndrome. Last evaluated: 2022-05-25. Review status: criteria provided, single submitter. Criteria: Invitae Variant Classification Sherloc (09022015). Collection method: clinical testing. Allele origin: germline.
Comment: For these reasons, this variant has been classified as Pathogenic. This variant has not been reported in the literature in individuals affected with RELN-related conditions. This variant is not present in population databases (gnomAD no frequency). This sequence change creates a premature translational stop signal (p.Gly2115Leufs*7) in the RELN gene. It is expected to result in an absent or disrupted protein product. Loss-of-function variants in RELN are known to be pathogenic (PMID: 10973257, 26046367, 28454995).

Literature cited by the submitters: PubMed 10973257; PubMed 26046367; PubMed 28454995.

NM_005045.4(RELN):c.6338_6342dup (p.Gly2115fs)

Gene: RELN (reelin; minus strand). Cytogenetic location: 7q22.1.
Variant type: Duplication.
Coding change: c.6338_6342dup on transcript NM_005045.4 (MANE Select); coding-DNA positions 6338 to 6342, 5 bases duplicated (CTGCC; older notation c.6338_6342dupCTGCC).
Protein change: p.Gly2115fs; shifts the reading frame from glycine 2115.
Molecular consequence: frameshift variant.
Genome position (GRCh38, 1-based): chr7:103,545,305-103,545,309, GGCAG duplicated on the plus strand (CTGCC on the coding strand, the reverse complement: RELN is on the minus strand); duplicating any 5 consecutive bases within chr7:103,545,305-103,545,311 gives the same sequence; the c. name uses the placement nearest the transcript's 3' end. VCF-style (leftmost placement, unchanged base first): chr7-103545304-C-CGGCAG. GRCh37 (hg19) VCF-style: chr7-103185751-C-CGGCAG.
Other names: c.6338_6342dup, p.Gly2115fs (NM_173054.3); short protein forms G2115fs.
Identifiers: ClinVar variation 1998872 (VCV001998872.4), dbSNP rs2484798416, ClinGen allele CA2580076061.